The following is an entry in ClinVar:

NM_001374828.1(ARID1B):c.1712C>G (p.Pro571Arg)

Gene: ARID1B (AT-rich interaction domain 1B; plus strand). Cytogenetic location: 6q25.3.
Variant type: single nucleotide variant.
Coding change: c.1712C>G on transcript NM_001374828.1 (MANE Select); coding-DNA position 1712, C replaced by G.
Protein change: p.Pro571Arg; replaces proline 571 with arginine.
Molecular consequence: missense variant.
Genome position (GRCh38, 1-based): chr6:156,779,392, C>G. VCF-style: chr6-156779392-C-G. GRCh37 (hg19) VCF-style: chr6-157100526-C-G.
Other names: c.1712C>G, p.Pro571Arg (NM_001371656.1, NM_001374820.1, NM_017519.3); c.1463C>G (NM_020732.3); short protein forms P571R.
Identifiers: ClinVar variation 872675 (VCV000872675.46), dbSNP rs769085274, ClinGen allele CA4066783.

ClinVar aggregate classification (germline): Conflicting classifications of pathogenicity. Review status: criteria provided, conflicting classifications (1 of 4 stars). 3 submissions from 3 submitters: Uncertain significance (1); Benign (1); Likely benign (1). Last evaluated 2024-07-01.

Allele frequency attached by ClinVar (database versions not stated): gnomAD exomes 0.00002; TOPMed 0.00003; gnomAD 0.00004 and 0.00005; ExAC 0.00011.
gnomAD v4.1: 107 of 1,420,918 alleles (0.0075%); highest among the groups gnomAD compares: Non-Finnish European, 0.0097%; no homozygotes.

Submissions (3):

Labcorp Genetics (formerly Invitae), Labcorp
Classification: Benign. Last evaluated: 2024-07-01. Review status: criteria provided, single submitter. Criteria: Invitae Variant Classification Sherloc (09022015). Collection method: clinical testing. Allele origin: germline.

CeGaT Center for Human Genetics Tuebingen
Classification: Uncertain significance. Last evaluated: 2019-08-01. Review status: criteria provided, single submitter. Criteria: CeGaT Center For Human Genetics Tuebingen Variant Classification Criteria Version 2. Collection method: clinical testing. Allele origin: germline. Affected: yes. Observed: 3 variant alleles.

GeneDx
Classification: Likely benign. Last evaluated: 2019-01-16. Review status: criteria provided, single submitter. Criteria: GeneDx Variant Classification Process June 2021. Collection method: clinical testing. Allele origin: germline. Affected: yes.
Comment: See Variant Classification Assertion Criteria.